The following is an entry in ClinVar:

NM_001845.6(COL4A1):c.4961A>T (p.Glu1654Val)

Gene: COL4A1 (collagen type IV alpha 1 chain; minus strand). Cytogenetic location: 13q34.
Variant type: single nucleotide variant.
Coding change: c.4961A>T on transcript NM_001845.6 (MANE Select); coding-DNA position 4961, A replaced by T.
Protein change: p.Glu1654Val; replaces glutamic acid 1654 with valine.
Molecular consequence: missense variant.
Genome position (GRCh38, 1-based): chr13:110,150,412, T>A on the plus strand (A>T on the coding strand, the complement: COL4A1 is on the minus strand). VCF-style: chr13-110150412-T-A. GRCh37 (hg19) VCF-style: chr13-110802759-T-A.
Other names: short protein forms E1654V.
Identifiers: ClinVar variation 1317097 (VCV001317097.2), dbSNP rs1876444347, ClinGen allele CA388653612.

ClinVar aggregate classification (germline): Uncertain significance (1 of 4 stars; one submission).

Allele frequency attached by ClinVar (database versions not stated): gnomAD exomes 0.00001.
gnomAD v4.1: 11 of 1,614,000 alleles (0.00068%); highest among the groups gnomAD compares: Non-Finnish European, 0.00093%; no homozygotes.

Submission:

GeneDx
Classification: Uncertain significance. Last evaluated: 2019-07-02. Review status: criteria provided, single submitter. Criteria: GeneDx Variant Classification Process June 2021. Collection method: clinical testing. Allele origin: germline. Affected: yes.
Comment: Not observed in large population cohorts (Lek et al., 2016); In silico analysis, which includes protein predictors and evolutionary conservation, supports a deleterious effect; Has not been previously published as pathogenic or benign to our knowledge